The following is an entry in ClinVar:

NM_012388.4(BLOC1S6):c.382A>C (p.Lys128Gln)

Gene: BLOC1S6 (biogenesis of lysosomal organelles complex 1 subunit 6; plus strand). Cytogenetic location: 15q21.1.
Variant type: single nucleotide variant.
Coding change: c.382A>C on transcript NM_012388.4 (MANE Select); coding-DNA position 382, A replaced by C.
Protein change: p.Lys128Gln; replaces lysine 128 with glutamine.
Molecular consequence: missense variant. On other transcripts: 3 prime UTR variant (1), non-coding transcript variant (9).
Genome position (GRCh38, 1-based): chr15:45,605,497, A>C. VCF-style: chr15-45605497-A-C. GRCh37 (hg19) VCF-style: chr15-45897695-A-C.
Other names: c.397A>C, p.Lys133Gln (NM_001311255.1); c.*33A>C (NM_001311256.1); short protein forms K128Q, K133Q.
Identifiers: ClinVar variation 2170844 (VCV002170844.1), dbSNP rs1254638614, ClinGen allele CA392300687.

ClinVar aggregate classification (germline): Uncertain significance (1 of 4 stars; one submission).

Conditions:
Hermansky-Pudlak syndrome 9 (HPS9). Identifiers: Orphanet 280663, Orphanet 79430, MedGen C3280026, MONDO:0013606, OMIM 614171.

Submission:

Labcorp Genetics (formerly Invitae), Labcorp
Classification: Uncertain significance for Hermansky-Pudlak syndrome 9. Last evaluated: 2022-10-03. Review status: criteria provided, single submitter. Criteria: Invitae Variant Classification Sherloc (09022015). Collection method: clinical testing. Allele origin: germline.
Comment: This sequence change replaces lysine, which is basic and polar, with glutamine, which is neutral and polar, at codon 128 of the BLOC1S6 protein (p.Lys128Gln). This variant is not present in population databases (gnomAD no frequency). This variant has not been reported in the literature in individuals affected with BLOC1S6-related conditions. Algorithms developed to predict the effect of missense changes on protein structure and function are either unavailable or do not agree on the potential impact of this missense change (SIFT: "Deleterious"; PolyPhen-2: "Probably Damaging"; Align-GVGD: "Class C0"). In summary, the available evidence is currently insufficient to determine the role of this variant in disease. Therefore, it has been classified as a Variant of Uncertain Significance.